The following is an entry in ClinVar:

NM_020987.5(ANK3):c.12265C>T (p.Arg4089Trp)

Gene: ANK3 (ankyrin 3; minus strand). Cytogenetic location: 10q21.2.
Variant type: single nucleotide variant.
Coding change: c.12265C>T on transcript NM_020987.5 (MANE Select); coding-DNA position 12265, C replaced by T.
Protein change: p.Arg4089Trp; replaces arginine 4089 with tryptophan.
Molecular consequence: missense variant.
Genome position (GRCh38, 1-based): chr10:60,067,989, G>A on the plus strand (C>T on the coding strand, the complement: ANK3 is on the minus strand). VCF-style: chr10-60067989-G-A. GRCh37 (hg19) VCF-style: chr10-61827747-G-A.
Other names: c.1828C>T, p.Arg610Trp (NM_001149.4); c.4408C>T, p.Arg1470Trp (NM_001204403.2); c.4429C>T, p.Arg1477Trp (NM_001204404.2); c.4426C>T, p.Arg1476Trp (NM_001320874.2); c.12265C>T (NM_020987.3); short protein forms R1470W, R1477W, R4089W, R1476W, R610W.
Identifiers: ClinVar variation 2182119 (VCV002182119.5), dbSNP rs1241719626, ClinGen allele CA376994900.

ClinVar aggregate classification (germline): Uncertain significance. Review status: criteria provided, multiple submitters, no conflicts (2 of 4 stars). 2 submissions from 2 submitters: Uncertain significance (2). Last evaluated 2023-12-22.

Conditions:
Inborn genetic diseases. Identifiers: MedGen C0950123, MeSH D030342.

Allele frequency attached by ClinVar (database versions not stated): gnomAD 0.00001; gnomAD exomes 0.00001; TOPMed 0.00006.
gnomAD v4.1: 22 of 1,609,744 alleles (0.0014%); highest among the groups gnomAD compares: African/African-American, 0.004%; no homozygotes.

Submissions (2):

Ambry Genetics
Classification: Uncertain significance for Inborn genetic diseases. Last evaluated: 2023-12-22. Review status: criteria provided, single submitter. Criteria: Ambry Variant Classification Scheme 2023. Collection method: clinical testing. Allele origin: germline.

Labcorp Genetics (formerly Invitae), Labcorp
Classification: Uncertain significance. Last evaluated: 2021-12-19. Review status: criteria provided, single submitter. Criteria: Invitae Variant Classification Sherloc (09022015). Collection method: clinical testing. Allele origin: germline.
Comment: Algorithms developed to predict the effect of missense changes on protein structure and function are either unavailable or do not agree on the potential impact of this missense change (SIFT: "Not Available"; PolyPhen-2: "Probably Damaging"; Align-GVGD: "Not Available"). This variant has not been reported in the literature in individuals affected with ANK3-related conditions. This variant is present in population databases (no rsID available, gnomAD 0.004%). This sequence change replaces arginine, which is basic and polar, with tryptophan, which is neutral and slightly polar, at codon 4089 of the ANK3 protein (p.Arg4089Trp). In summary, the available evidence is currently insufficient to determine the role of this variant in disease. Therefore, it has been classified as a Variant of Uncertain Significance.